The following is an entry in ClinVar:

NM_001042492.3(NF1):c.7458_7462delinsTCT (p.Arg2486fs)

Gene: NF1 (neurofibromin 1; plus strand). Cytogenetic location: 17q11.2.
Variant type: Indel.
Coding change: c.7458_7462delinsTCT on transcript NM_001042492.3 (MANE Select); coding-DNA positions 7458 to 7462, GACAC replaced by TCT.
Protein change: p.Arg2486fs; shifts the reading frame from arginine 2486.
Molecular consequence: frameshift variant.
Genome position (GRCh38, 1-based): chr17:31,352,257-31,352,261, GACAC replaced by TCT. VCF-style: chr17-31352257-GACAC-TCT. GRCh37 (hg19) VCF-style: chr17-29679275-GACAC-TCT.
Other names: c.7395_7399delGACACinsTCT, p.Arg2465Serfs (NM_000267.4); short protein forms R2465fs, R2486fs.
Identifiers: ClinVar variation 965641 (VCV000965641.5), dbSNP rs2070166483, ClinGen allele CA1139665476.

ClinVar aggregate classification (germline): Pathogenic (1 of 4 stars; one submission).

Conditions:
Neurofibromatosis, type 1 (NF1). Also called: Neurofibromatosis, type I; Peripheral type neurofibromatosis; VON RECKLINGHAUSEN DISEASE; NEUROFIBROMATOSIS, TYPE I, SOMATIC. Identifiers: Orphanet 636, MedGen C0027831, MONDO:0018975, OMIM 162200. Disease mechanism: loss of function.

Submission:

Labcorp Genetics (formerly Invitae), Labcorp
Classification: Pathogenic for Neurofibromatosis, type 1. Last evaluated: 2019-08-22. Review status: criteria provided, single submitter. Criteria: Invitae Variant Classification Sherloc (09022015). Collection method: clinical testing. Allele origin: germline.
Comment: For these reasons, this variant has been classified as Pathogenic. This sequence change creates a premature translational stop signal (p.Arg2465Serfs*15) in the NF1 gene. It is expected to result in an absent or disrupted protein product. This variant is not present in population databases (ExAC no frequency). This variant has not been reported in the literature in individuals with NF1-related conditions. Loss-of-function variants in NF1 are known to be pathogenic (PMID: 10712197, 23913538).

Literature cited by the submitters: PubMed 10712197; PubMed 23913538.